The following is an entry in ClinVar:

ClinVar aggregate classification (germline): Uncertain significance (1 of 4 stars; one submission).

Conditions:
Specific granule deficiency. Identifiers: Orphanet 169142, MedGen C0398593, MONDO:0009506.

Submission:

Labcorp Genetics (formerly Invitae), Labcorp
Classification: Uncertain significance for Specific granule deficiency. Last evaluated: 2025-07-15. Review status: criteria provided, single submitter. Criteria: Invitae Variant Classification Sherloc (09022015). Collection method: clinical testing. Allele origin: germline.
Comment: This sequence change replaces threonine, which is neutral and polar, with serine, which is neutral and polar, at codon 151 of the CEBPE protein (p.Thr151Ser). The frequency data for this variant in the population databases is considered unreliable, as metrics indicate poor data quality at this position in the gnomAD database. This variant has not been reported in the literature in individuals affected with CEBPE-related conditions. ClinVar contains an entry for this variant (Variation ID: 3014210). An algorithm developed to predict the effect of missense changes on protein structure and function (PolyPhen-2) suggests that this variant is likely to be disruptive. In summary, the available evidence is currently insufficient to determine the role of this variant in disease. Therefore, it has been classified as a Variant of Uncertain Significance.

NM_001805.4(CEBPE):c.452_453delinsGC (p.Thr151Ser)

Gene: CEBPE (CCAAT enhancer binding protein epsilon; minus strand). Cytogenetic location: 14q11.2.
Variant type: Indel.
Coding change: c.452_453delinsGC on transcript NM_001805.4 (MANE Select); coding-DNA positions 452 to 453, CA replaced by GC.
Protein change: p.Thr151Ser; replaces threonine 151 with serine.
Molecular consequence: missense variant.
Genome position (GRCh38, 1-based): chr14:23,118,639-23,118,640, TG replaced by GC on the plus strand (CA replaced by GC on the coding strand, the reverse complement: CEBPE is on the minus strand). VCF-style: chr14-23118639-TG-GC. GRCh37 (hg19) VCF-style: chr14-23587848-TG-GC.
Other names: short protein forms T151S.
Identifiers: ClinVar variation 3014210 (VCV003014210.2), dbSNP rs2501819918, ClinGen allele CA2740097713.
Genomic context (GRCh38, chr14:23,118,639, plus strand): 5'-TACCTTGAGAACGCGCAGAGGCTGGCCGGGTGCTGCCAGAGTTGGGGGCAGGTGCATGGC[TG>GC]TCTGCCCACAGTGTGCCACTTGGTACTGCAGGGGATTGTAGCTGCCTCGGCTGGCAGCTC-3'
Protein context (NP_001796.2, residues 141-161): LQYQVAHCGQ[Thr151Ser]AMHLPPTLAA